The following is an entry in ClinVar:

NM_004006.3(DMD):c.282dup (p.Gly95fs)

Gene: DMD (dystrophin; minus strand). Cytogenetic location: Xp21.1.
Variant type: Duplication.
Coding change: c.282dup on transcript NM_004006.3 (MANE Select); coding-DNA position 282, one base duplicated (T; older notation c.282dupT).
Protein change: p.Gly95fs; shifts the reading frame from glycine 95.
Molecular consequence: frameshift variant. On other transcripts: 5 prime UTR variant (1).
Genome position (GRCh38, 1-based): chrX:32,823,370, A duplicated on the plus strand (T on the coding strand, the reverse complement: DMD is on the minus strand); the first of 2 consecutive A bases (chrX:32,823,370-32,823,371); duplicating either gives the same sequence. VCF-style (leftmost placement, unchanged base first): chrX-32823369-C-CA. GRCh37 (hg19) VCF-style: chrX-32841486-C-CA.
Other names: c.258dup, p.Gly87fs (NM_000109.4); c.270dup, p.Gly91fs (NM_004009.3); c.-88dup (NM_004010.3); short protein forms G95fs, G87fs, G91fs.
Identifiers: ClinVar variation 217191 (VCV000217191.1), dbSNP rs863224991, ClinGen allele CA347492.

ClinVar aggregate classification (germline): Pathogenic (1 of 4 stars; one submission).

Conditions:
Duchenne muscular dystrophy (DMD). Also called: MUSCULAR DYSTROPHY, PSEUDOHYPERTROPHIC PROGRESSIVE, DUCHENNE TYPE; Duchenne Muscular Dystrophy (DMD). Identifiers: Orphanet 98896, MedGen C0013264, MONDO:0010679, OMIM 310200.

Submission:

Athena Diagnostics
Classification: Pathogenic for Duchenne muscular dystrophy. Last evaluated: 2014-08-12. Review status: criteria provided, single submitter. Criteria: Athena Diagnostics Criteria. Collection method: clinical testing. Allele origin: germline. Inheritance: X-linked recessive inheritance.
Comment: X-linked recessive inheritance

Literature cited by the submitters: PubMed 19937601.